The following is an entry in ClinVar:

NM_018341.3(ERMARD):c.1811C>T (p.Ala604Val)

Gene: ERMARD (ER membrane associated RNA degradation; plus strand). Cytogenetic location: 6q27.
Variant type: single nucleotide variant.
Coding change: c.1811C>T on transcript NM_018341.3 (MANE Select); coding-DNA position 1811, C replaced by T.
Protein change: p.Ala604Val; replaces alanine 604 with valine.
Molecular consequence: missense variant.
Genome position (GRCh38, 1-based): chr6:169,779,253, C>T. VCF-style: chr6-169779253-C-T. GRCh37 (hg19) VCF-style: chr6-170179349-C-T.
Other names: c.1670C>T, p.Ala557Val (NM_001278531.2); c.1433C>T, p.Ala478Val (NM_001278532.2); c.1592C>T, p.Ala531Val (NM_001278533.2); c.1403C>T, p.Ala468Val (NM_001410957.1); short protein forms A557V, A478V, A531V, A604V, A468V.
Identifiers: ClinVar variation 4701917 (VCV004701917.1).
Genomic context (GRCh38, chr6:169,779,253, plus strand): 5'-TGTCCCCTGTGCTCAGCCTGATACTGTTACTCATTGCGCTGGAGTTGGTCAACATTCATG[C>T]TGTTTGTGGGAAGAATGCGCATGAGTATCAGCAGTACCTAAAGTAAGTGTGTCACAGTAT-3'
Protein context (NP_060811.1, residues 594-614): LIALELVNIH[Ala604Val]VCGKNAHEYQ

ClinVar aggregate classification (germline): Uncertain significance (1 of 4 stars; one submission).

Submission:

Labcorp Genetics (formerly Invitae), Labcorp
Classification: Uncertain significance. Last evaluated: 2025-02-12. Review status: criteria provided, single submitter. Criteria: Invitae Variant Classification Sherloc (09022015). Collection method: clinical testing. Allele origin: germline.
Comment: This sequence change replaces alanine, which is neutral and non-polar, with valine, which is neutral and non-polar, at codon 604 of the ERMARD protein (p.Ala604Val). This variant is present in population databases (no rsID available, gnomAD 0.0009%). This variant has not been reported in the literature in individuals affected with ERMARD-related conditions. Invitae Evidence Modeling of protein sequence and biophysical properties (such as structural, functional, and spatial information, amino acid conservation, physicochemical variation, residue mobility, and thermodynamic stability) indicates that this missense variant is not expected to disrupt ERMARD protein function with a negative predictive value of 80%. In summary, the available evidence is currently insufficient to determine the role of this variant in disease. Therefore, it has been classified as a Variant of Uncertain Significance.